The following is an entry in ClinVar:

ClinVar aggregate classification (germline): Conflicting classifications of pathogenicity. Review status: criteria provided, conflicting classifications (1 of 4 stars). 4 submissions from 4 submitters: Uncertain significance (3); Likely benign (1). Last evaluated 2025-09-27.

Conditions:
Hereditary cancer-predisposing syndrome. Also called: Hereditary neoplastic syndrome; Neoplastic Syndromes, Hereditary; Tumor predisposition; Hereditary Cancer Syndrome. Identifiers: Orphanet 140162, MedGen C0027672, MeSH D009386, MONDO:0015356.
Fanconi anemia complementation group J. Also called: BRIP1-Related Fanconi Anemia. Identifiers: Orphanet 84, MedGen C1836860, MONDO:0012187, OMIM 609054.
Familial cancer of breast. Also called: BREAST CANCER, FAMILIAL; hereditary breast carcinoma; Hereditary breast cancer. Identifiers: Orphanet 227535, MedGen C0346153, MONDO:0016419, OMIM 114480. Disease mechanism: loss of function.

Allele frequency attached by ClinVar (database versions not stated): gnomAD exomes below 0.00001.
gnomAD v4.1: 4 of 1,613,462 alleles (0.00025%); highest among the groups gnomAD compares: Non-Finnish European, 0.00034%; no homozygotes.

Submissions (4):

Labcorp Genetics (formerly Invitae), Labcorp
Classification: Likely benign for Familial cancer of breast; Fanconi anemia complementation group J. Last evaluated: 2025-09-27. Review status: criteria provided, single submitter. Criteria: Invitae Variant Classification Sherloc (09022015). Collection method: clinical testing. Allele origin: germline.

Ambry Genetics
Classification: Uncertain significance for Hereditary cancer-predisposing syndrome. Last evaluated: 2024-11-22. Review status: criteria provided, single submitter. Criteria: Ambry Variant Classification Scheme 2023. Collection method: clinical testing. Allele origin: germline.
Comment: The c.1497A>G variant (also known as p.Q499Q), located in coding exon 10, results from an A to G substitution at nucleotide position 1497 of the BRIP1 gene. This nucleotide substitution does not change the amino acid at codon 499. This nucleotide position is well conserved in available vertebrate species. In silico splice site analysis for this alteration is inconclusive and direct evidence is insufficient at this time (Ambry internal data). Based on the available evidence, the clinical significance of this variant remains unclear.

Color Diagnostics, LLC DBA Color Health
Classification: Uncertain significance for Hereditary cancer-predisposing syndrome. Last evaluated: 2023-09-12. Review status: criteria provided, single submitter. Criteria: ACMG Guidelines, 2015. Collection method: clinical testing. Allele origin: germline.
Comment: This variant is located in the BRIP1 protein. To our knowledge, functional studies have not been reported for this variant. This variant has not been reported in individuals affected with BRIP1-related disorders in the literature. This variant has not been identified in the general population by the Genome Aggregation Database (gnomAD). The available evidence is insufficient to determine the role of this variant in disease conclusively. Therefore, this variant is classified as a Variant of Uncertain Significance.

GeneDx
Classification: Uncertain significance. Last evaluated: 2022-03-11. Review status: criteria provided, single submitter. Criteria: GeneDx Variant Classification Process June 2021. Collection method: clinical testing. Allele origin: germline. Affected: yes.
Comment: Not observed at significant frequency in large population cohorts (gnomAD); Has not been previously published as pathogenic or benign to our knowledge; In silico analysis, which includes splice predictors and evolutionary conservation, suggests this variant may impact gene splicing. In the absence of RNA/functional studies, the actual effect of this sequence change is unknown.

NM_032043.3(BRIP1):c.1497A>G (p.Gln499=)

Gene: BRIP1 (BRCA1 interacting DNA helicase 1; minus strand). Cytogenetic location: 17q23.2.
Variant type: single nucleotide variant.
Coding change: c.1497A>G on transcript NM_032043.3 (MANE Select); coding-DNA position 1497, A replaced by G.
Protein change: p.Gln499=; no amino-acid change (glutamine 499 retained).
Molecular consequence: synonymous variant.
Genome position (GRCh38, 1-based): chr17:61,784,401, T>C on the plus strand (A>G on the coding strand, the complement: BRIP1 is on the minus strand). VCF-style: chr17-61784401-T-C. GRCh37 (hg19) VCF-style: chr17-59861762-T-C.
Identifiers: ClinVar variation 461076 (VCV000461076.16), dbSNP rs1555603597, ClinGen allele CA501150798.
Genomic context (GRCh38, chr17:61,784,401, plus strand): 5'-AATAACAGGTACTTCTCTTGCCTCCTCTTTACCATAAATTGGTGAGATTTTTTCCTCTTT[T>C]TGAAGAACAGCAGAAAAATGTCCCTATAAGAAATTACCATATTAAGTATAGAGGGGTTGG-3'
Protein context (NP_114432.2, residues 489-509): ILQGHFSAVL[Gln499=]KEEKISPIYG